The following is an entry in ClinVar:

ClinVar aggregate classification (germline): Likely pathogenic (1 of 4 stars; one submission).

Conditions:
Houge-Janssens syndrome 1. Also called: Intellectual disability-macrocephaly-hypotonia-behavioral abnormalities syndrome; PPP2R5D-Related Neurodevelopmental Disorder; INTELLECTUAL DEVELOPMENTAL DISORDER, AUTOSOMAL DOMINANT 35; Hogue-Janssens syndrome 1. Identifiers: Orphanet 457279, MedGen C5779996, MONDO:0014602, OMIM 616355.

Submission:

Clinical Genomics Laboratory, Washington University in St. Louis
Classification: Likely pathogenic for Houge-Janssens syndrome 1. Last evaluated: 2024-03-19. Review status: criteria provided, single submitter. Criteria: ACMG Guidelines, 2015. Collection method: clinical testing. Allele origin: germline. Affected: yes.
Comment: The PPP2R5D c.391T>G (p.Phe131Val) variant, to our knowledge, has not been reported in the medical literature and is absent from the general population (gnomAD v.2.1.1), indicating it is not a common variant. Computational predictors indicate that the variant is damaging, evidence that correlates with impact to PPP2R5D function. Based on available information and the ACMG/AMP guidelines for variant interpretation (Richards S et al., PMID: 25741868), this variant is classified as likely pathogenic.

NM_006245.4(PPP2R5D):c.391T>G (p.Phe131Val)

Gene: PPP2R5D (protein phosphatase 2 regulatory subunit B'delta; plus strand). Cytogenetic location: 6p21.1.
Variant type: single nucleotide variant.
Coding change: c.391T>G on transcript NM_006245.4 (MANE Select); coding-DNA position 391, T replaced by G.
Protein change: p.Phe131Val; replaces phenylalanine 131 with valine.
Molecular consequence: missense variant. On other transcripts: 5 prime UTR variant (1).
Genome position (GRCh38, 1-based): chr6:43,006,979, T>G. VCF-style: chr6-43006979-T-G. GRCh37 (hg19) VCF-style: chr6-42974717-T-G.
Other names: c.-63T>G (NM_001270476.2); c.295T>G, p.Phe99Val (NM_180976.3); c.73T>G, p.Phe25Val (NM_180977.3); short protein forms F131V, F25V, F99V.
Identifiers: ClinVar variation 3236570 (VCV003236570.1), dbSNP rs2532473884, ClinGen allele CA364182659.
Genomic context (GRCh38, chr6:43,006,979, plus strand): 5'-ACCCAGGAGCGGGAGGAGCTGTTTATCCAGAAGCTACGCCAGTGCTGTGTCCTCTTTGAC[T>G]TCGTGTCAGACCCACTCAGTGACCTCAAATTCAAGGAGGTGAAGCGGGCAGGACTCAACG-3'
Protein context (NP_006236.1, residues 121-141): KLRQCCVLFD[Phe131Val]VSDPLSDLKF